The following is an entry in ClinVar:

NM_001379403.1(WDR26):c.675G>C (p.Glu225Asp)

Gene: WDR26 (WD repeat domain 26; minus strand). Cytogenetic location: 1q42.12.
Variant type: single nucleotide variant.
Coding change: c.675G>C on transcript NM_001379403.1 (MANE Select); coding-DNA position 675, G replaced by C.
Protein change: p.Glu225Asp; replaces glutamic acid 225 with aspartic acid.
Molecular consequence: missense variant.
Genome position (GRCh38, 1-based): chr1:224,433,731, C>G on the plus strand (G>C on the coding strand, the complement: WDR26 is on the minus strand). VCF-style: chr1-224433731-C-G. GRCh37 (hg19) VCF-style: chr1-224621433-C-G.
Other names: c.375G>C, p.Glu125Asp (NM_001115113.3, NM_025160.7); short protein forms E125D, E225D.
Identifiers: ClinVar variation 4527579 (VCV004527579.1).

ClinVar aggregate classification (germline): Uncertain significance (1 of 4 stars; one submission).

Submission:

GeneDx
Classification: Uncertain significance. Last evaluated: 2025-04-30. Review status: criteria provided, single submitter. Criteria: GeneDx Variant Classification Process June 2021. Collection method: clinical testing. Allele origin: germline. Affected: yes.
Comment: Not observed at significant frequency in large population cohorts (gnomAD); In silico analysis indicates that this missense variant does not alter protein structure/function; Has not been previously published as pathogenic or benign to our knowledge